The following is an entry in ClinVar:

ClinVar aggregate classification (germline): Conflicting classifications of pathogenicity. Review status: criteria provided, conflicting classifications (1 of 4 stars). 2 submissions from 1 submitter: Uncertain significance (1); Likely benign (1). Last evaluated 2018-01-13.

Conditions:
Susceptibility to mononeuropathy of the median nerve, mild. Also called: CARPAL TUNNEL SYNDROME, SUSCEPTIBILITY TO. Identifiers: MedGen C3150596, MONDO:0013237, OMIM 613353.
Charcot-Marie-Tooth disease type 4C (CMT4C). Also called: CHARCOT-MARIE-TOOTH DISEASE, DEMYELINATING, TYPE 4C; SH3TC2-Related Hereditary Motor and Sensory Neuropathy; Charcot-Marie-Tooth Neuropathy Type 4C (CMT4C); CHARCOT-MARIE-TOOTH DISEASE, DEMYELINATING, AUTOSOMAL RECESSIVE, TYPE 4C; CMT 4C. Identifiers: Orphanet 99949, MedGen C1866636, MONDO:0011113, OMIM 601596.

Allele frequency attached by ClinVar (database versions not stated): 1000 Genomes Project 30x 0.00125; gnomAD 0.00134 and 0.00143; 1000 Genomes Project 0.00140; TOPMed 0.00159.

Submissions (2):

Illumina Laboratory Services, Illumina
Classification: Likely benign for Susceptibility to mononeuropathy of the median nerve, mild. Last evaluated: 2018-01-13. Review status: criteria provided, single submitter. Criteria: ICSL Variant Classification Criteria 13 December 2019. Collection method: clinical testing. Allele origin: germline.
Comment: This variant was observed in the ICSL laboratory as part of a predisposition screen in an ostensibly healthy population. It had not been previously curated by ICSL or reported in the Human Gene Mutation Database (HGMD: prior to June 1st, 2018), and was therefore a candidate for classification through an automated scoring system. Utilizing variant allele frequency, disease prevalence and penetrance estimates, and inheritance mode, an automated score was calculated to assess if this variant is too frequent to cause the disease. Based on the score and internal cut-off values, a variant classified as likely benign is not then subjected to further curation. The score for this variant resulted in a classification of likely benign for this disease.

Illumina Laboratory Services, Illumina
Classification: Uncertain significance for Charcot-Marie-Tooth disease type 4C. Last evaluated: 2018-01-13. Review status: criteria provided, single submitter. Criteria: ICSL Variant Classification Criteria 13 December 2019. Collection method: clinical testing. Allele origin: germline.

NM_024577.4(SH3TC2):c.*1720T>A

Gene: SH3TC2 (SH3 domain and tetratricopeptide repeats 2; minus strand). Cytogenetic location: 5q32.
Variant type: single nucleotide variant.
Coding change: c.*1720T>A on transcript NM_024577.4 (MANE Select); 1720 bases downstream of the stop codon, T replaced by A.
Molecular consequence: 3 prime UTR variant.
Genome position (GRCh38, 1-based): chr5:149,002,991, A>T on the plus strand (T>A on the coding strand, the complement: SH3TC2 is on the minus strand). VCF-style: chr5-149002991-A-T. GRCh37 (hg19) VCF-style: chr5-148382554-A-T.
Identifiers: ClinVar variation 906256 (VCV000906256.4), dbSNP rs148473467, ClinGen allele CA128993554.